The following is an entry in ClinVar:

NM_001371986.1(UNC80):c.1745C>T (p.Ala582Val)

Gene: UNC80 (unc-80 homolog, NALCN channel complex subunit; plus strand). Cytogenetic location: 2q34.
Variant type: single nucleotide variant.
Coding change: c.1745C>T on transcript NM_001371986.1 (MANE Select); coding-DNA position 1745, C replaced by T.
Protein change: p.Ala582Val; replaces alanine 582 with valine.
Molecular consequence: missense variant.
Genome position (GRCh38, 1-based): chr2:209,819,044, C>T. VCF-style: chr2-209819044-C-T. GRCh37 (hg19) VCF-style: chr2-210683768-C-T.
Other names: c.1745C>T, p.Ala582Val (NM_032504.2, NM_182587.4); short protein forms A582V.
Identifiers: ClinVar variation 1912512 (VCV001912512.3), dbSNP rs1574585077, ClinGen allele CA350135570.
Genomic context (GRCh38, chr2:209,819,044, plus strand): 5'-TTTTATTAGTGCGATCTCAGATCTCCACCATCACAGTTGCGACCTTCAATACCACTTTGG[C>T]GTCATTCAACGTAGGCTATGCAGACTTTTTCAATGAGCATATGAGGAAACTCTGCAACCA-3'
Protein context (NP_001358915.1, residues 572-592): ITVATFNTTL[Ala582Val]SFNVGYADFF

ClinVar aggregate classification (germline): Uncertain significance (1 of 4 stars; one submission).

Allele frequency attached by ClinVar (database versions not stated): gnomAD exomes below 0.00001.
gnomAD v4.1: 2 of 1,551,784 alleles (0.00013%); highest among the groups gnomAD compares: South Asian, 0.0012%; no homozygotes.

Submission:

Labcorp Genetics (formerly Invitae), Labcorp
Classification: Uncertain significance. Last evaluated: 2021-11-27. Review status: criteria provided, single submitter. Criteria: Invitae Variant Classification Sherloc (09022015). Collection method: clinical testing. Allele origin: germline.
Comment: This variant is not present in population databases (gnomAD no frequency). This sequence change replaces alanine, which is neutral and non-polar, with valine, which is neutral and non-polar, at codon 582 of the UNC80 protein (p.Ala582Val). This variant has not been reported in the literature in individuals affected with UNC80-related conditions. In summary, the available evidence is currently insufficient to determine the role of this variant in disease. Therefore, it has been classified as a Variant of Uncertain Significance. Algorithms developed to predict the effect of missense changes on protein structure and function are either unavailable or do not agree on the potential impact of this missense change (SIFT: "Not Available"; PolyPhen-2: "Probably Damaging"; Align-GVGD: "Not Available").